The following is an entry in ClinVar:

NM_138694.4(PKHD1):c.4_11del (p.Thr2fs)

Gene: PKHD1 (PKHD1 ciliary IPT domain containing fibrocystin/polyductin; minus strand). Cytogenetic location: 6p12.2.
Variant type: Deletion.
Coding change: c.4_11del on transcript NM_138694.4 (MANE Select); coding-DNA positions 4 to 11, 8 bases deleted (ACTGCCTG; older notation c.4_11delACTGCCTG).
Protein change: p.Thr2fs; shifts the reading frame from threonine 2.
Molecular consequence: frameshift variant, initiator codon variant.
Genome position (GRCh38, 1-based): chr6:52,084,923-52,084,930, CAGGCAGT deleted on the plus strand (ACTGCCTG on the coding strand, the reverse complement: PKHD1 is on the minus strand); deleting any 8 consecutive bases within chr6:52,084,923-52,084,932 gives the same sequence; the c. name uses the placement nearest the transcript's 3' end. VCF-style (leftmost placement, unchanged base first): chr6-52084922-CCAGGCAGT-C. GRCh37 (hg19) VCF-style: chr6-51949720-CCAGGCAGT-C.
Other names: c.4_11del, p.Thr2fs (NM_170724.3); short protein forms T2fs.
Identifiers: ClinVar variation 3767382 (VCV003767382.2).

ClinVar aggregate classification (germline): Pathogenic. Review status: criteria provided, multiple submitters, no conflicts (2 of 4 stars). 2 submissions from 2 submitters: Pathogenic (2). Last evaluated 2025-08-22.

Conditions:
Familial cystic renal disease. Identifiers: Orphanet 93587, MedGen C5680285, MONDO:0019741.
Polycystic kidney disease 4 (PKD4). Also called: POLYCYSTIC KIDNEY DISEASE 4 WITH OR WITHOUT POLYCYSTIC LIVER DISEASE; Autosomal Recessive Polycystic Kidney Disease – PKHD1; PKD3; POLYCYSTIC KIDNEY AND HEPATIC DISEASE 1; POLYCYSTIC KIDNEY DISEASE, INFANTILE, TYPE I. Identifiers: MedGen C4540575, MONDO:0033004, OMIM 263200.

Submissions (2):

Myriad Genetics, Inc.
Classification: Pathogenic for Polycystic kidney disease 4. Last evaluated: 2025-08-22. Review status: criteria provided, single submitter. Criteria: Myriad Autosomal Dominant, Autosomal Recessive and X-Linked Classification Criteria (2023). Collection method: clinical testing. Allele origin: unknown.
Comment: NM_138694.3(PKHD1):c.4_11del8(T2Afs*8) is a frameshift variant classified as pathogenic in the context of autosomal recessive polycystic kidney disease, PKHD1-related. T2Afs*8 has been observed in a case with relevant disease (PMID: 16133180). Relevant functional assessments of this variant are not available in the literature. T2Afs*8 has not been observed in referenced population frequency databases. In summary, NM_138694.3(PKHD1):c.4_11del8(T2Afs*8) is a frameshift variant in a gene where loss of function is a known mechanism of disease, is predicted to disrupt protein function, and has been observed more frequently in cases with the relevant disease than in healthy populations. Please note: this variant was assessed in the context of healthy population screening.

Clinical Genetics Laboratory, Skane University Hospital Lund
Classification: Pathogenic for Familial cystic renal disease. Last evaluated: 2024-08-27. Review status: criteria provided, single submitter. Criteria: ACMG Guidelines, 2015. Collection method: clinical testing. Allele origin: germline. Affected: yes.
Comment: PVS1, PM2, PM3

Literature cited by the submitters: PubMed 16133180 (cited by Myriad Genetics, Inc.).